The following is an entry in ClinVar:

ClinVar aggregate classification (germline): Uncertain significance (1 of 4 stars; one submission).

Conditions:
Autosomal dominant Parkinson disease 8. Also called: Parkinson disease 8, susceptibility to; LRRK2-Related Parkinson Disease; Parkinson disease 8. Identifiers: Orphanet 411602, MedGen C1846862, MONDO:0011764, OMIM 607060.

gnomAD v4.1: 67 of 1,613,078 alleles (0.0042%); highest among the groups gnomAD compares: Non-Finnish European, 0.0053%; no homozygotes.

Submission:

Labcorp Genetics (formerly Invitae), Labcorp
Classification: Uncertain significance for Autosomal dominant Parkinson disease 8. Last evaluated: 2024-02-12. Review status: criteria provided, single submitter. Criteria: Invitae Variant Classification Sherloc (09022015). Collection method: clinical testing. Allele origin: germline.
Comment: This sequence change replaces arginine, which is basic and polar, with lysine, which is basic and polar, at codon 1847 of the LRRK2 protein (p.Arg1847Lys). This variant is present in population databases (rs142998392, gnomAD 0.003%). This variant has not been reported in the literature in individuals affected with LRRK2-related conditions. Algorithms developed to predict the effect of missense changes on protein structure and function output the following: SIFT: "Not Available"; PolyPhen-2: "Benign"; Align-GVGD: "Not Available". The lysine amino acid residue is found in multiple mammalian species, which suggests that this missense change does not adversely affect protein function. In summary, the available evidence is currently insufficient to determine the role of this variant in disease. Therefore, it has been classified as a Variant of Uncertain Significance.

NM_198578.4(LRRK2):c.5540G>A (p.Arg1847Lys)

Gene: LRRK2 (leucine rich repeat kinase 2; plus strand). Cytogenetic location: 12q12.
Variant type: single nucleotide variant.
Coding change: c.5540G>A on transcript NM_198578.4 (MANE Select); coding-DNA position 5540, G replaced by A.
Protein change: p.Arg1847Lys; replaces arginine 1847 with lysine.
Molecular consequence: missense variant.
Genome position (GRCh38, 1-based): chr12:40,323,190, G>A. VCF-style: chr12-40323190-G-A. GRCh37 (hg19) VCF-style: chr12-40716992-G-A.
Other names: short protein forms R1847K.
Identifiers: ClinVar variation 3698781 (VCV003698781.2).